The following is an entry in ClinVar:

NM_002778.4(PSAP):c.41-17G>A

Gene: PSAP (prosaposin; minus strand). Cytogenetic location: 10q22.1.
Variant type: single nucleotide variant.
Coding change: c.41-17G>A on transcript NM_002778.4 (MANE Select); 17 bases into the intron before coding-DNA position 41, G replaced by A.
Molecular consequence: intron variant.
Genome position (GRCh38, 1-based): chr10:71,834,522, C>T on the plus strand (G>A on the coding strand, the complement: PSAP is on the minus strand). VCF-style: chr10-71834522-C-T. GRCh37 (hg19) VCF-style: chr10-73594279-C-T.
Other names: p.?; c.41-17G>A (NM_001042466.3, NM_001042465.3).
Identifiers: ClinVar variation 1604877 (VCV001604877.10), dbSNP rs181164406, ClinGen allele CA5547929.
Genomic context (GRCh38, chr10:71,834,522, plus strand): 5'-GCCCCTGGTGCATTCTTTCAGTCCAAGGACCGGGCCGGCTAGAGCTAAAATGAAAACCAA[C>T]GTGAGGAGGTGGCCCATTTTGTAGCAAACCAGGTCGACCTGACTTATTTCCCCAGGGCTG-3'

ClinVar aggregate classification (germline): Benign/Likely benign. Review status: criteria provided, multiple submitters, no conflicts (2 of 4 stars). 3 submissions from 3 submitters: Benign (1); Likely benign (2). Last evaluated 2026-02-02.

Conditions:
Sphingolipid activator protein 1 deficiency. Also called: Saposin B Deficiency; METACHROMATIC LEUKODYSTROPHY DUE TO CEREBROSIDE SULFATASE ACTIVATOR DEFICIENCY; Metachromatic leukodystrophy due to saposin B deficiency. Identifiers: Orphanet 512, MedGen C0268262, MONDO:0009590, OMIM 249900.

Allele frequency attached by ClinVar (database versions not stated): ESP Exome Variant Server 0.00277; 1000 Genomes Project 0.00399; 1000 Genomes Project 30x 0.00453.
gnomAD v4.1: 922 of 1,613,048 alleles (0.057%); highest among the groups gnomAD compares: African/African-American, 1%; 5 homozygotes.

Submissions (3):

Labcorp Genetics (formerly Invitae), Labcorp
Classification: Benign for Sphingolipid activator protein 1 deficiency. Last evaluated: 2026-02-02. Review status: criteria provided, single submitter. Criteria: Invitae Variant Classification Sherloc (09022015). Collection method: clinical testing. Allele origin: germline.

Blueprint Genetics
Classification: Likely benign. Last evaluated: 2024-11-20. Review status: criteria provided, single submitter. Criteria: ACMG Guidelines, 2015. Collection method: clinical testing. Allele origin: germline.

Mayo Clinic Laboratories, Mayo Clinic
Classification: Likely benign. Last evaluated: 2022-12-09. Review status: criteria provided, single submitter. Criteria: ACMG Guidelines, 2015. Collection method: clinical testing. Allele origin: germline. Observed: 3 variant alleles.
Comment: BP4, BP7